The following is an entry in ClinVar:

ClinVar aggregate classification (germline): Uncertain significance (1 of 4 stars; one submission).

gnomAD v4.1: 1 of 1,612,706 alleles (0.000062%); highest among the groups gnomAD compares: Non-Finnish European, 0.000085%; no homozygotes.

Submission:

Labcorp Genetics (formerly Invitae), Labcorp
Classification: Uncertain significance. Last evaluated: 2025-11-28. Review status: criteria provided, single submitter. Criteria: Invitae Variant Classification Sherloc (09022015). Collection method: clinical testing. Allele origin: germline.
Comment: This sequence change affects an acceptor splice site in intron 14 of the COL9A3 gene. Variants that disrupt the donor or acceptor splice site typically lead to a loss of protein function (PMID:16199547), however it is unknown whether splice variants in this region will result in a loss of function. This variant is not present in population databases (gnomAD no frequency). This variant has not been reported in the literature in individuals affected with COL9A3-related conditions. Algorithms developed to predict the effect of sequence changes on RNA splicing suggest that this variant may disrupt the consensus splice site. In summary, the available evidence is currently insufficient to determine the role of this variant in disease. Therefore, it has been classified as a Variant of Uncertain Significance.

Literature cited by the submitters: PubMed 16199547.

NM_001853.4(COL9A3):c.739-2A>C

Gene: COL9A3 (collagen type IX alpha 3 chain; plus strand). Cytogenetic location: 20q13.33.
Variant type: single nucleotide variant.
Coding change: c.739-2A>C on transcript NM_001853.4 (MANE Select); the canonical splice acceptor site of the intron before coding-DNA position 739, A replaced by C.
Molecular consequence: splice acceptor variant.
Genome position (GRCh38, 1-based): chr20:62,826,765, A>C. VCF-style: chr20-62826765-A-C. GRCh37 (hg19) VCF-style: chr20-61458117-A-C.
Identifiers: ClinVar variation 4723887 (VCV004723887.1).
Genomic context (GRCh38, chr20:62,826,765, plus strand): 5'-ACTGGGGGGATGCCAGCCAGGCCTCAGACAAGAGGACCCCGGATCCCCTCTCTCCTCTGC[A>C]GGGTCCCATTGGGTTCCGAGGGCCGCCTGGGATCCCAGGAGCGCCTGGGAAAGCGGTACG-3'